The following is an entry in ClinVar:

NM_000088.4(COL1A1):c.643-2A>G

Gene: COL1A1 (collagen type I alpha 1 chain; minus strand). Cytogenetic location: 17q21.33.
Variant type: single nucleotide variant.
Coding change: c.643-2A>G on transcript NM_000088.4 (MANE Select); the canonical splice acceptor site of the intron before coding-DNA position 643, A replaced by G.
Molecular consequence: splice acceptor variant.
Genome position (GRCh38, 1-based): chr17:50,197,787, T>C on the plus strand (A>G on the coding strand, the complement: COL1A1 is on the minus strand). VCF-style: chr17-50197787-T-C. GRCh37 (hg19) VCF-style: chr17-48275148-T-C.
Identifiers: ClinVar variation 283341 (VCV000283341.6), dbSNP rs886042602, ClinGen allele CA10604465.
Genomic context (GRCh38, chr17:50,197,787, plus strand): 5'-CTTACATCATCTCCATTCTTTCCAGGGGGACCTGGGGGACCTCGGGGACCCATGGGACCC[T>C]AGAAAAGATAGAAGAGGTGGTTAGAATATGGATAAGAAAAAAAGAAGGGGAAGGCTGGGA-3'

ClinVar aggregate classification (germline): Pathogenic. Review status: criteria provided, multiple submitters, no conflicts (2 of 4 stars). 2 submissions from 2 submitters: Pathogenic (2). Last evaluated 2024-08-27.

Submissions (2):

GeneDx
Classification: Pathogenic. Last evaluated: 2024-08-27. Review status: criteria provided, single submitter. Criteria: GeneDx Variant Classification Process June 2021. Collection method: clinical testing. Allele origin: germline. Affected: yes.
Comment: Canonical splice site variant predicted to result in a null allele in a gene for which loss of function is a known mechanism of disease; Damages or destroys the splice acceptor site in intron 8, and is expected to cause abnormal gene splicing; if the splice outcome is exon skip, the loss of the encoded residues in the triple helical region is expected to disrupt normal protein folding and function, and this is an established mechanism of disease (HGMD); Not observed at significant frequency in large population cohorts (gnomAD); This variant is associated with the following publications: (PMID: 25525159, 18755172, 32123938)

Eurofins Ntd Llc (ga)
Classification: Pathogenic. Last evaluated: 2015-10-05. Review status: criteria provided, single submitter. Criteria: EGL Classification Definitions 2015. Collection method: clinical testing. Allele origin: germline. Observed: 1 variant allele, 1 heterozygote.

Literature cited by the submitters: PubMed 22913777 (cited by Eurofins Ntd Llc (ga)).